The following is an entry in ClinVar:

ClinVar aggregate classification (germline): Likely pathogenic (1 of 4 stars; one submission).

Conditions:
Dilated cardiomyopathy 1G (CMD1G). Identifiers: Orphanet 154, MedGen C1858763, MONDO:0011400, OMIM 604145.
Autosomal recessive limb-girdle muscular dystrophy type 2J (LGMDR10). Also called: Limb-girdle muscular dystrophy, type 2J; MUSCULAR DYSTROPHY, LIMB-GIRDLE, AUTOSOMAL RECESSIVE 10. Identifiers: Orphanet 140922, MedGen C1837342, MONDO:0012127, OMIM 608807.

Submission:

Labcorp Genetics (formerly Invitae), Labcorp
Classification: Likely pathogenic for Dilated cardiomyopathy 1G; Autosomal recessive limb-girdle muscular dystrophy type 2J. Last evaluated: 2024-10-18. Review status: criteria provided, single submitter. Criteria: Invitae Variant Classification Sherloc (09022015). Collection method: clinical testing. Allele origin: germline.
Comment: This sequence change creates a premature translational stop signal (p.Gln1104*) in the TTN gene. While this is not anticipated to result in nonsense mediated decay, it is expected to create a truncated TTN protein. This variant is not present in population databases (gnomAD no frequency). This variant has not been reported in the literature in individuals affected with TTN-related conditions. ClinVar contains an entry for this variant (Variation ID: 2110927). Algorithms developed to predict the effect of sequence changes on RNA splicing suggest that this variant may disrupt the consensus splice site. This variant is located in the Z band of TTN (PMID: 25589632). Truncating variants in this region have been reported in individuals affected with autosomal recessive centronuclear myopathy (PMID: 33449170, internal data). Truncating variants in this region have also been identified in individuals affected with autosomal dominant dilated cardiomyopathy and/or cardio-related conditions (PMID: 27869827, 32964742, internal data). In summary, the currently available evidence indicates that the variant is pathogenic, but additional data are needed to prove that conclusively. Therefore, this variant has been classified as Likely Pathogenic.

Literature cited by the submitters: PubMed 25589632; PubMed 33449170; PubMed 27869827; PubMed 32964742.

NM_001267550.2(TTN):c.3310C>T (p.Gln1104Ter)

Gene: TTN (titin; minus strand). Cytogenetic location: 2q31.2.
Variant type: single nucleotide variant.
Coding change: c.3310C>T on transcript NM_001267550.2 (MANE Select); coding-DNA position 3310, C replaced by T.
Protein change: p.Gln1104Ter; replaces glutamine 1104 with a stop codon.
Molecular consequence: nonsense.
Genome position (GRCh38, 1-based): chr2:178,782,282, G>A on the plus strand (C>T on the coding strand, the complement: TTN is on the minus strand). VCF-style: chr2-178782282-G-A. GRCh37 (hg19) VCF-style: chr2-179647009-G-A.
Other names: c.3310C>T, p.Gln1104Ter (NM_001256850.1, NM_133378.4, NM_133379.5); c.3172C>T, p.Gln1058Ter (NM_003319.4, NM_133432.3, NM_133437.4); short protein forms Q1058*, Q1104*.
Identifiers: ClinVar variation 2110927 (VCV002110927.4), dbSNP rs2533326832, ClinGen allele CA349486591.